The following is an entry in ClinVar:

NM_022367.4(SEMA4A):c.2044C>T (p.Pro682Ser)

Gene: SEMA4A (semaphorin 4A; plus strand). Cytogenetic location: 1q22.
Variant type: single nucleotide variant.
Coding change: c.2044C>T on transcript NM_022367.4 (MANE Select); coding-DNA position 2044, C replaced by T.
Protein change: p.Pro682Ser; replaces proline 682 with serine.
Molecular consequence: missense variant.
Genome position (GRCh38, 1-based): chr1:156,176,755, C>T. VCF-style: chr1-156176755-C-T. GRCh37 (hg19) VCF-style: chr1-156146546-C-T.
Other names: c.2044C>T, p.Pro682Ser (NM_001193300.2, NM_001193301.2, NM_001370567.1); c.1648C>T, p.Pro550Ser (NM_001193302.2); c.1747C>T, p.Pro583Ser (NM_001370568.1); c.1537C>T, p.Pro513Ser (NM_001370569.1, NM_001370571.1); short protein forms P682S, P513S, P550S, P583S.
Identifiers: ClinVar variation 286515 (VCV000286515.21), dbSNP rs76381440, ClinGen allele CA1155513.

ClinVar aggregate classification (germline): Benign/Likely benign. Review status: criteria provided, multiple submitters, no conflicts (2 of 4 stars). 8 submissions from 6 submitters: Benign (4); Likely benign (4). Last evaluated 2026-02-01.

Conditions:
Retinitis pigmentosa (RP). Identifiers: Orphanet 791, MedGen C0035334, MeSH D012174, MONDO:0019200, OMIM 268000. Inheritance: Autosomal dominant, autosomal recessive and X linked inheritance.
Retinitis pigmentosa 35 (RP35). Identifiers: Orphanet 791, MedGen C1853214, MONDO:0012463, OMIM 610282.
Cone-rod dystrophy 10 (CORD10). Identifiers: Orphanet 1872, MedGen C1846529, MONDO:0012464, OMIM 610283.

Allele frequency attached by ClinVar (database versions not stated): 1000 Genomes Project 30x 0.00656; 1000 Genomes Project 0.00659; gnomAD 0.01037 and 0.01066; TOPMed 0.01075; ESP Exome Variant Server 0.01415.
gnomAD v4.1: 25,916 of 1,612,332 alleles (1.6%); highest among the groups gnomAD compares: Non-Finnish European, 2%; 283 homozygotes.

Submissions (8):

Labcorp Genetics (formerly Invitae), Labcorp
Classification: Benign. Last evaluated: 2026-02-01. Review status: criteria provided, single submitter. Criteria: Invitae Variant Classification Sherloc (09022015). Collection method: clinical testing. Allele origin: germline.

Genome-Nilou Lab
Classification: Likely benign for Cone-rod dystrophy 10. Last evaluated: 2023-04-11. Review status: criteria provided, single submitter. Criteria: ACMG Guidelines, 2015. Collection method: clinical testing. Allele origin: germline. Affected: no.

Genome-Nilou Lab
Classification: Likely benign for Retinitis pigmentosa 35. Last evaluated: 2023-04-11. Review status: criteria provided, single submitter. Criteria: ACMG Guidelines, 2015. Collection method: clinical testing. Allele origin: germline. Affected: no.

GeneDx
Classification: Benign. Last evaluated: 2020-04-07. Review status: criteria provided, single submitter. Criteria: GeneDx Variant Classification Process June 2021. Collection method: clinical testing. Allele origin: germline. Affected: yes.
Comment: This variant is associated with the following publications: (PMID: 26960273, 25307848, 26961734)

Illumina Laboratory Services, Illumina
Classification: Benign for Retinitis pigmentosa. Last evaluated: 2018-01-13. Review status: criteria provided, single submitter. Criteria: ICSL Variant Classification Criteria 13 December 2019. Collection method: clinical testing. Allele origin: germline.
Comment: This variant was observed in the ICSL laboratory as part of a predisposition screen in an ostensibly healthy population. It had not been previously curated by ICSL or reported in the Human Gene Mutation Database (HGMD: prior to June 1st, 2018), and was therefore a candidate for classification through an automated scoring system. Utilizing variant allele frequency, disease prevalence and penetrance estimates, and inheritance mode, an automated score was calculated to assess if this variant is too frequent to cause the disease. Based on the score and internal cut-off values, a variant classified as benign is not then subjected to further curation. The score for this variant resulted in a classification of benign for this disease.

Illumina Laboratory Services, Illumina
Classification: Likely benign for Cone-rod dystrophy 10. Last evaluated: 2018-01-13. Review status: criteria provided, single submitter. Criteria: ICSL Variant Classification Criteria 13 December 2019. Collection method: clinical testing. Allele origin: germline.
Comment: This variant was observed in the ICSL laboratory as part of a predisposition screen in an ostensibly healthy population. It had not been previously curated by ICSL or reported in the Human Gene Mutation Database (HGMD: prior to June 1st, 2018), and was therefore a candidate for classification through an automated scoring system. Utilizing variant allele frequency, disease prevalence and penetrance estimates, and inheritance mode, an automated score was calculated to assess if this variant is too frequent to cause the disease. Based on the score and internal cut-off values, a variant classified as likely benign is not then subjected to further curation. The score for this variant resulted in a classification of likely benign for this disease.

Eurofins Ntd Llc (ga)
Classification: Benign. Last evaluated: 2016-04-01. Review status: criteria provided, single submitter. Criteria: EGL Classification Definitions 2015. Collection method: clinical testing. Allele origin: germline. Observed: 1 variant allele, 1 heterozygote.

Breakthrough Genomics
Classification: Likely benign. Review status: criteria provided, single submitter. Criteria: ACMG Guidelines, 2015. Collection method: not provided. Allele origin: germline. Inheritance: Autosomal recessive inheritance. Affected: yes.